The following is an entry in ClinVar:

NM_021116.4(ADCY1):c.1983+10T>A

Gene: ADCY1 (adenylate cyclase 1; plus strand). Cytogenetic location: 7p12.3.
Variant type: single nucleotide variant.
Coding change: c.1983+10T>A on transcript NM_021116.4 (MANE Select); 10 bases into the intron after coding-DNA position 1983, T replaced by A.
Molecular consequence: intron variant.
Genome position (GRCh38, 1-based): chr7:45,679,803, T>A. VCF-style: chr7-45679803-T-A. GRCh37 (hg19) VCF-style: chr7-45719402-T-A.
Identifiers: ClinVar variation 667064 (VCV000667064.11), dbSNP rs12721475, ClinGen allele CA4249102.

ClinVar aggregate classification (germline): Benign/Likely benign. Review status: criteria provided, multiple submitters, no conflicts (2 of 4 stars). 4 submissions from 4 submitters: Benign (1); Likely benign (3). Last evaluated 2025-08-29.

Allele frequency attached by ClinVar (database versions not stated): gnomAD 0.00007 and 0.00010; gnomAD exomes 0.00008 and 0.00021; TOPMed 0.00011; ExAC 0.00026; 1000 Genomes Project 30x 0.00031; 1000 Genomes Project 0.00040.
gnomAD v4.1: 132 of 1,614,040 alleles (0.0082%); highest among the groups gnomAD compares: East Asian, 0.29%; 1 homozygote.

Submissions (4):

Labcorp Genetics (formerly Invitae), Labcorp
Classification: Benign. Last evaluated: 2025-08-29. Review status: criteria provided, single submitter. Criteria: Invitae Variant Classification Sherloc (09022015). Collection method: clinical testing. Allele origin: germline.

Blueprint Genetics
Classification: Likely benign. Last evaluated: 2024-01-09. Review status: criteria provided, single submitter. Criteria: ACMG Guidelines, 2015. Collection method: clinical testing. Allele origin: germline.

Laboratory for Molecular Medicine, Mass General Brigham Personalized Medicine
Classification: Likely benign. Last evaluated: 2017-08-23. Review status: criteria provided, single submitter. Criteria: LMM Criteria. Collection method: clinical testing. Allele origin: germline. Observed: 1 variant allele.
Comment: c.1983+10T>A in intron 11 of ADCY1: This variant is not expected to have clinica l significance because it does not alter an amino acid residue and is not locate d within the splice consensus sequence. It has been identified in 0.36% (31/8652 ) of East Asian chromosomes by the Exome Aggregation Consortium (ExAC; dbSNP rs12721475).

Breakthrough Genomics
Classification: Likely benign. Review status: criteria provided, single submitter. Criteria: ACMG Guidelines, 2015. Collection method: not provided. Allele origin: germline. Inheritance: Autosomal recessive inheritance. Affected: yes.